The following is an entry in ClinVar:

NM_001943.5(DSG2):c.671G>C (p.Ser224Thr)

Gene: DSG2 (desmoglein 2; plus strand). Cytogenetic location: 18q12.1.
Variant type: single nucleotide variant.
Coding change: c.671G>C on transcript NM_001943.5 (MANE Select); coding-DNA position 671, G replaced by C.
Protein change: p.Ser224Thr; replaces serine 224 with threonine.
Molecular consequence: missense variant.
Genome position (GRCh38, 1-based): chr18:31,522,230, G>C. VCF-style: chr18-31522230-G-C. GRCh37 (hg19) VCF-style: chr18-29102193-G-C.
Other names: short protein forms S224T.
Identifiers: ClinVar variation 4074414 (VCV004074414.2).

ClinVar aggregate classification (germline): Uncertain significance. Review status: criteria provided, multiple submitters, no conflicts (2 of 4 stars). 2 submissions from 2 submitters: Uncertain significance (2). Last evaluated 2025-03-30.

Conditions:
Arrhythmogenic right ventricular dysplasia 10. Also called: Arrhythmogenic Right Ventricular Dysplasia/Cardiomyopathy10; ARRHYTHMOGENIC RIGHT VENTRICULAR DYSPLASIA, FAMILIAL, 10; Arrhythmogenic right ventricular dysplasia/cardiomyopathy, type 10. Identifiers: MedGen C1857777, MONDO:0012434, OMIM 610193.

gnomAD v4.1: 2 of 1,613,642 alleles (0.00012%); highest among the groups gnomAD compares: South Asian, 0.0022%; no homozygotes.

Submissions (2):

Labcorp Genetics (formerly Invitae), Labcorp
Classification: Uncertain significance for Arrhythmogenic right ventricular dysplasia 10. Last evaluated: 2025-03-30. Review status: criteria provided, single submitter. Criteria: Invitae Variant Classification Sherloc (09022015). Collection method: clinical testing. Allele origin: germline.
Comment: This sequence change replaces serine, which is neutral and polar, with threonine, which is neutral and polar, at codon 224 of the DSG2 protein (p.Ser224Thr). This variant is not present in population databases (gnomAD no frequency). This variant has not been reported in the literature in individuals affected with DSG2-related conditions. Invitae Evidence Modeling of protein sequence and biophysical properties (such as structural, functional, and spatial information, amino acid conservation, physicochemical variation, residue mobility, and thermodynamic stability) indicates that this missense variant is not expected to disrupt DSG2 protein function with a negative predictive value of 95%. In summary, the available evidence is currently insufficient to determine the role of this variant in disease. Therefore, it has been classified as a Variant of Uncertain Significance.

GeneDx
Classification: Uncertain significance. Last evaluated: 2025-02-06. Review status: criteria provided, single submitter. Criteria: GeneDx Variant Classification Process June 2021. Collection method: clinical testing. Allele origin: germline. Affected: yes.
Comment: Not observed at significant frequency in large population cohorts (gnomAD); In silico analysis indicates that this missense variant does not alter protein structure/function; Has not been previously published as pathogenic or benign to our knowledge